The following is an entry in ClinVar:

ClinVar aggregate classification (germline): Uncertain significance (1 of 4 stars; one submission).

Allele frequency attached by ClinVar (database versions not stated): ExAC 0.00001; gnomAD exomes 0.00001.
gnomAD v4.1: 7 of 1,614,106 alleles (0.00043%); highest among the groups gnomAD compares: Non-Finnish European, 0.00042%; no homozygotes.

Submission:

Labcorp Genetics (formerly Invitae), Labcorp
Classification: Uncertain significance. Last evaluated: 2023-11-10. Review status: criteria provided, single submitter. Criteria: Invitae Variant Classification Sherloc (09022015). Collection method: clinical testing. Allele origin: germline.
Comment: This sequence change replaces asparagine, which is neutral and polar, with aspartic acid, which is acidic and polar, at codon 3052 of the KMT2A protein (p.Asn3052Asp). This variant is present in population databases (rs782079486, gnomAD 0.003%). This variant has not been reported in the literature in individuals affected with KMT2A-related conditions. Advanced modeling of protein sequence and biophysical properties (such as structural, functional, and spatial information, amino acid conservation, physicochemical variation, residue mobility, and thermodynamic stability) performed at Invitae indicates that this missense variant is not expected to disrupt KMT2A protein function with a negative predictive value of 95%. In summary, the available evidence is currently insufficient to determine the role of this variant in disease. Therefore, it has been classified as a Variant of Uncertain Significance.

NM_001197104.2(KMT2A):c.9154A>G (p.Asn3052Asp)

Gene: KMT2A (lysine methyltransferase 2A; plus strand). Cytogenetic location: 11q23.3.
Variant type: single nucleotide variant.
Coding change: c.9154A>G on transcript NM_001197104.2 (MANE Select); coding-DNA position 9154, A replaced by G.
Protein change: p.Asn3052Asp; replaces asparagine 3052 with aspartic acid.
Molecular consequence: missense variant.
Genome position (GRCh38, 1-based): chr11:118,505,046, A>G. VCF-style: chr11-118505046-A-G. GRCh37 (hg19) VCF-style: chr11-118375761-A-G.
Other names: c.9244A>G, p.Asn3082Asp (NM_001412597.1); c.9145A>G, p.Asn3049Asp (NM_005933.4); short protein forms N3052D, N3082D, N3049D.
Identifiers: ClinVar variation 2873542 (VCV002873542.3), dbSNP rs782079486, ClinGen allele CA6304558.
Genomic context (GRCh38, chr11:118,505,046, plus strand): 5'-CCTGGCCTTCAGGTACCTGTTTCCCCAACTGTTCCCATCCAGAACCAGAAGTATGTGCCC[A>G]ATTCTACTGATAGTCCTGGCCCGTCTCAGATTTCCAATGCAGCTGTCCAGACCACTCCAC-3'
Protein context (NP_001184033.1, residues 3042-3062): VPIQNQKYVP[Asn3052Asp]STDSPGPSQI